The following is an entry in ClinVar:

ClinVar aggregate classification (germline): Uncertain significance (1 of 4 stars; one submission).

Submission:

GeneDx
Classification: Uncertain significance. Last evaluated: 2025-04-03. Review status: criteria provided, single submitter. Criteria: GeneDx Variant Classification Process June 2021. Collection method: clinical testing. Allele origin: germline. Affected: yes.
Comment: Not observed at significant frequency in large population cohorts (gnomAD); In silico analysis supports that this missense variant has a deleterious effect on protein structure/function; Has not been previously published as pathogenic or benign to our knowledge

NM_000827.4(GRIA1):c.1568A>G (p.Lys523Arg)

Gene: GRIA1 (glutamate ionotropic receptor AMPA type subunit 1; plus strand). Cytogenetic location: 5q33.2.
Variant type: single nucleotide variant.
Coding change: c.1568A>G on transcript NM_000827.4 (MANE Select); coding-DNA position 1568, A replaced by G.
Protein change: p.Lys523Arg; replaces lysine 523 with arginine.
Molecular consequence: missense variant. On other transcripts: non-coding transcript variant (2).
Genome position (GRCh38, 1-based): chr5:153,705,812, A>G. VCF-style: chr5-153705812-A-G. GRCh37 (hg19) VCF-style: chr5-153085372-A-G.
Other names: c.1568A>G, p.Lys523Arg (NM_001114183.2); c.1328A>G, p.Lys443Arg (NM_001258019.2); c.1283A>G, p.Lys428Arg (NM_001258020.2); c.1598A>G, p.Lys533Arg (NM_001258021.2, NM_001258022.2); c.1361A>G, p.Lys454Arg (NM_001258023.1, NM_001364167.2); c.1400A>G, p.Lys467Arg (NM_001364165.2); c.1595A>G, p.Lys532Arg (NM_001364166.2); short protein forms K428R, K443R, K454R, K467R, K523R, K532R, K533R.
Identifiers: ClinVar variation 4278915 (VCV004278915.1).